The following is an entry in ClinVar:

NM_005505.5(SCARB1):c.630+4C>T

Gene: SCARB1 (scavenger receptor class B member 1; minus strand). Cytogenetic location: 12q24.31.
Variant type: single nucleotide variant.
Coding change: c.630+4C>T on transcript NM_005505.5 (MANE Select); 4 bases into the intron after coding-DNA position 630, C replaced by T.
Molecular consequence: intron variant.
Genome position (GRCh38, 1-based): chr12:124,814,198, G>A on the plus strand (C>T on the coding strand, the complement: SCARB1 is on the minus strand). VCF-style: chr12-124814198-G-A. GRCh37 (hg19) VCF-style: chr12-125298744-G-A.
Other names: c.630+4C>T (NM_001367988.1, NM_001367985.1, NM_001367987.1 and 6 more transcripts); c.507+4C>T (NM_001367982.1).
Identifiers: ClinVar variation 3003392 (VCV003003392.3), dbSNP rs766081187, ClinGen allele CA245226506.

ClinVar aggregate classification (germline): Uncertain significance (1 of 4 stars; one submission).

Allele frequency attached by ClinVar (database versions not stated): gnomAD 0.00001; TOPMed 0.00001; gnomAD exomes 0.00003; 1000 Genomes Project 30x 0.00016.
gnomAD v4.1: 43 of 1,613,844 alleles (0.0027%); highest among the groups gnomAD compares: South Asian, 0.0088%; no homozygotes.

Submission:

Labcorp Genetics (formerly Invitae), Labcorp
Classification: Uncertain significance. Last evaluated: 2022-10-25. Review status: criteria provided, single submitter. Criteria: Invitae Variant Classification Sherloc (09022015). Collection method: clinical testing. Allele origin: germline.
Comment: This sequence change falls in intron 4 of the SCARB1 gene. It does not directly change the encoded amino acid sequence of the SCARB1 protein. It affects a nucleotide within the consensus splice site. This variant is present in population databases (rs766081187, gnomAD 0.007%). This variant has not been reported in the literature in individuals affected with SCARB1-related conditions. Variants that disrupt the consensus splice site are a relatively common cause of aberrant splicing (PMID: 17576681, 9536098). Algorithms developed to predict the effect of sequence changes on RNA splicing suggest that this variant is not likely to affect RNA splicing. In summary, the available evidence is currently insufficient to determine the role of this variant in disease. Therefore, it has been classified as a Variant of Uncertain Significance.

Literature cited by the submitters: PubMed 17576681; PubMed 9536098.